The following is an entry in ClinVar:

ClinVar aggregate classification (germline): Uncertain significance (1 of 4 stars; one submission).

Submission:

Labcorp Genetics (formerly Invitae), Labcorp
Classification: Uncertain significance. Last evaluated: 2023-06-24. Review status: criteria provided, single submitter. Criteria: Invitae Variant Classification Sherloc (09022015). Collection method: clinical testing. Allele origin: germline.
Comment: In summary, the available evidence is currently insufficient to determine the role of this variant in disease. Therefore, it has been classified as a Variant of Uncertain Significance. Advanced modeling of protein sequence and biophysical properties (such as structural, functional, and spatial information, amino acid conservation, physicochemical variation, residue mobility, and thermodynamic stability) performed at Invitae indicates that this missense variant is not expected to disrupt MYH9 protein function. This variant has not been reported in the literature in individuals affected with MYH9-related conditions. This variant is not present in population databases (gnomAD no frequency). This sequence change replaces glutamic acid, which is acidic and polar, with glutamine, which is neutral and polar, at codon 677 of the MYH9 protein (p.Glu677Gln).

NM_002473.6(MYH9):c.2029G>C (p.Glu677Gln)

Gene: MYH9 (myosin heavy chain 9; minus strand). Cytogenetic location: 22q12.3.
Variant type: single nucleotide variant.
Coding change: c.2029G>C on transcript NM_002473.6 (MANE Select); coding-DNA position 2029, G replaced by C.
Protein change: p.Glu677Gln; replaces glutamic acid 677 with glutamine.
Molecular consequence: missense variant.
Genome position (GRCh38, 1-based): chr22:36,306,422, C>G on the plus strand (G>C on the coding strand, the complement: MYH9 is on the minus strand). VCF-style: chr22-36306422-C-G. GRCh37 (hg19) VCF-style: chr22-36702468-C-G.
Other names: short protein forms E677Q.
Identifiers: ClinVar variation 2714542 (VCV002714542.3), dbSNP rs1181607328, ClinGen allele CA411397652.